The following is an entry in ClinVar:

ClinVar aggregate classification (germline): Uncertain significance (1 of 4 stars; one submission).

Conditions:
Charcot-Marie-Tooth disease axonal type 2P. Also called: CHARCOT-MARIE-TOOTH NEUROPATHY, TYPE 2P; Charcot-Marie-Tooth Neuropathy Type 2G; CHARCOT-MARIE-TOOTH DISEASE, AXONAL, TYPE 2G; CMT 2G. Identifiers: Orphanet 300319, Orphanet 99941, MedGen C3280797, MONDO:0013753, OMIM 614436.

Allele frequency attached by ClinVar (database versions not stated): gnomAD exomes below 0.00001 and 0.00001; TOPMed below 0.00001; gnomAD 0.00001.
gnomAD v4.1: 7 of 1,613,874 alleles (0.00043%); highest among the groups gnomAD compares: South Asian, 0.0033%; no homozygotes.

Submission:

Labcorp Genetics (formerly Invitae), Labcorp
Classification: Uncertain significance for Charcot-Marie-Tooth disease axonal type 2P. Last evaluated: 2018-09-05. Review status: criteria provided, single submitter. Criteria: Invitae Variant Classification Sherloc (09022015). Collection method: clinical testing. Allele origin: germline.
Comment: In summary, the available evidence is currently insufficient to determine the role of this variant in disease. Therefore, it has been classified as a Variant of Uncertain Significance. This sequence change replaces proline with serine at codon 641 of the LRSAM1 protein (p.Pro641Ser). The proline residue is moderately conserved and there is a moderate physicochemical difference between proline and serine. This variant is not present in population databases (ExAC no frequency). This variant has not been reported in the literature in individuals with LRSAM1-related disease. Algorithms developed to predict the effect of missense changes on protein structure and function (SIFT, PolyPhen-2, Align-GVGD) all suggest that this variant is likely to be tolerated, but these predictions have not been confirmed by published functional studies and their clinical significance is uncertain.

NM_001005373.4(LRSAM1):c.1921C>T (p.Pro641Ser)

Gene: LRSAM1 (leucine rich repeat and sterile alpha motif containing 1; plus strand). Cytogenetic location: 9q34.11.
Variant type: single nucleotide variant.
Coding change: c.1921C>T on transcript NM_001005373.4 (MANE Select); coding-DNA position 1921, C replaced by T.
Protein change: p.Pro641Ser; replaces proline 641 with serine.
Molecular consequence: missense variant. On other transcripts: non-coding transcript variant (2).
Genome position (GRCh38, 1-based): chr9:127,501,018, C>T. VCF-style: chr9-127501018-C-T. GRCh37 (hg19) VCF-style: chr9-130263297-C-T.
Other names: c.1921C>T, p.Pro641Ser (NM_001005374.4, NM_001384142.1, NM_138361.5); c.1840C>T, p.Pro614Ser (NM_001190723.3); c.1822C>T, p.Pro608Ser (NM_001384143.1); c.1132C>T, p.Pro378Ser (NM_001384144.1); short protein forms P641S, P614S, P378S, P608S.
Identifiers: ClinVar variation 640507 (VCV000640507.8), dbSNP rs1479286608, ClinGen allele CA374938134.